The following is an entry in ClinVar:

NM_005614.4(RHEB):c.50_51del (p.Val17fs)

Gene: RHEB (Ras homolog, mTORC1 binding; minus strand). Cytogenetic location: 7q36.1.
Variant type: Microsatellite.
Coding change: c.50_51del on transcript NM_005614.4 (MANE Select); coding-DNA positions 50 to 51, 2 bases deleted (TG; older notation c.50_51delTG).
Protein change: p.Val17fs; shifts the reading frame from valine 17.
Molecular consequence: frameshift variant.
Genome position (GRCh38, 1-based): chr7:151,519,461-151,519,462, CA deleted on the plus strand (TG on the coding strand, the reverse complement: RHEB is on the minus strand); deleting any 2 consecutive bases within chr7:151,519,461-151,519,464 gives the same sequence; the c. name uses the placement nearest the transcript's 3' end. VCF-style (leftmost placement, unchanged base first): chr7-151519460-CCA-C. GRCh37 (hg19) VCF-style: chr7-151216546-CCA-C.
Other names: short protein forms V17fs.
Identifiers: ClinVar variation 2135985 (VCV002135985.1), dbSNP rs2536146793, ClinGen allele CA2580614287.

ClinVar aggregate classification (germline): Uncertain significance (1 of 4 stars; one submission).

Submission:

GeneDx
Classification: Uncertain significance. Last evaluated: 2022-07-19. Review status: criteria provided, single submitter. Criteria: GeneDx Variant Classification Process June 2021. Collection method: clinical testing. Allele origin: germline. Affected: yes.
Comment: Not observed at significant frequency in large population cohorts (gnomAD); Has not been previously published as pathogenic or benign to our knowledge; Frameshift variant predicted to result in protein truncation or nonsense mediated decay in a gene for which loss-of-function is not a known mechanism of disease